The following is an entry in ClinVar:

NM_000439.5(PCSK1):c.365A>G (p.Asn122Ser)

Genes: CAST (calpastatin; plus strand), PCSK1 (proprotein convertase subtilisin/kexin type 1; minus strand), LOC101929710 (uncharacterized LOC101929710; plus strand). Cytogenetic location: 5q15.
Variant type: single nucleotide variant.
Coding change: c.365A>G on transcript NM_000439.5 (MANE Select); coding-DNA position 365, A replaced by G.
Protein change: p.Asn122Ser; replaces asparagine 122 with serine.
Molecular consequence: missense variant. On other transcripts: intron variant (11).
Genome position (GRCh38, 1-based): chr5:96,425,851, T>C on the plus strand (A>G on the coding strand, the complement: PCSK1 is on the minus strand). VCF-style: chr5-96425851-T-C. GRCh37 (hg19) VCF-style: chr5-95761555-T-C.
Other names: c.224A>G, p.Asn75Ser (NM_001177875.2); c.-175+46199T>C (NM_001423254.1, NM_001423259.1, NM_001423255.1 and 6 more transcripts); c.-103+46199T>C (NM_001423253.1); c.-40+46199T>C (NM_001423258.1); short protein forms N122S, N75S.
Identifiers: ClinVar variation 2631274 (VCV002631274.1), dbSNP rs1237338413, ClinGen allele CA360484665.
Genomic context (GRCh38, chr5:96,425,851, plus strand): 5'-ACCCACATAGTCCTTCTGTAGGTACTTACCAAGTACCATTGCTGATTCCACATGGGATCA[T>C]TGAAGAGATTTAGTGCTGAGTCCCTTAGAGCTGAACGTTTACTTCTTTCTTTTTCATACT-3'
Protein context (NP_000430.3, residues 112-132): ALRDSALNLF[Asn122Ser]DPMWNQQWYL

ClinVar aggregate classification (germline): Uncertain significance (1 of 4 stars; one submission).

Conditions:
PCSK1-related disorder. Also called: PCSK1-related condition.

Allele frequency attached by ClinVar (database versions not stated): TOPMed 0.00001; gnomAD 0.00002.
gnomAD v4.1: 3 of 1,608,290 alleles (0.00019%); highest among the groups gnomAD compares: African/African-American, 0.0027%; no homozygotes.

Submission:

PreventionGenetics, part of Exact Sciences
Classification: Uncertain significance for PCSK1-related condition. Last evaluated: 2023-08-10. Review status: criteria provided, single submitter. Criteria: ACMG Guidelines, 2015. Collection method: clinical testing. Allele origin: germline.
Comment: The PCSK1 c.365A>G variant is predicted to result in the amino acid substitution p.Asn122Ser. To our knowledge, this variant has not been reported in the literature or in a large population database, indicating this variant is rare. At this time, the clinical significance of this variant is uncertain due to the absence of conclusive functional and genetic evidence.